The following is an entry in ClinVar:

ClinVar aggregate classification (germline): Likely pathogenic (1 of 4 stars; one submission).

Conditions:
Marfan syndrome (MFS). Also called: MARFAN SYNDROME, TYPE I; Marfan syndrome type 1; Marfan's syndrome; Marfan syndrome, classic; FBN1-Related Marfan Syndrome. Identifiers: Orphanet 284963, Orphanet 558, MedGen C0024796, MONDO:0007947, OMIM 154700.
Familial thoracic aortic aneurysm and aortic dissection (TAAD). Also called: Thoracic aortic aneurysms and dissections. Identifiers: Orphanet 91387, MedGen C4707243, MONDO:0019625.

Submission:

Labcorp Genetics (formerly Invitae), Labcorp
Classification: Likely pathogenic for Marfan syndrome; Familial thoracic aortic aneurysm and aortic dissection. Last evaluated: 2024-07-23. Review status: criteria provided, single submitter. Criteria: Invitae Variant Classification Sherloc (09022015). Collection method: clinical testing. Allele origin: germline.
Comment: This sequence change replaces cysteine, which is neutral and slightly polar, with glycine, which is neutral and non-polar, at codon 1818 of the FBN1 protein (p.Cys1818Gly). This variant is not present in population databases (gnomAD no frequency). This missense change has been observed in individual(s) with Marfan syndrome (PMID: 19863550). Advanced modeling of protein sequence and biophysical properties (such as structural, functional, and spatial information, amino acid conservation, physicochemical variation, residue mobility, and thermodynamic stability) performed at Invitae indicates that this missense variant is expected to disrupt FBN1 protein function with a positive predictive value of 95%. This variant affects a cysteine residue in the EGF-like, TGFBP or hybrid motif domains of FBN1. Cysteine residues are believed to be involved in intramolecular disulfide bridges and have been shown to be important for FBN1 protein structure (PMID: 16905551, 19349279). In addition, missense substitutions affecting cysteine residues within these domains are significantly overrepresented among patients with Marfan syndrome (PMID: 16571647, 17701892). This variant disrupts the p.Cys1818 amino acid residue in FBN1. Other variant(s) that disrupt this residue have been observed in individuals with FBN1-related conditions (PMID: 10189222; Invitae), which suggests that this may be a clinically significant amino acid residue. In summary, the currently available evidence indicates that the variant is pathogenic, but additional data are needed to prove that conclusively. Therefore, this variant has been classified as Likely Pathogenic.

Literature cited by the submitters: PubMed 19863550; PubMed 16905551; PubMed 19349279; PubMed 16571647; PubMed 17701892; PubMed 10189222.

NM_000138.5(FBN1):c.5452T>G (p.Cys1818Gly)

Gene: FBN1 (fibrillin 1; minus strand). Cytogenetic location: 15q21.1.
Variant type: single nucleotide variant.
Coding change: c.5452T>G on transcript NM_000138.5 (MANE Select); coding-DNA position 5452, T replaced by G.
Protein change: p.Cys1818Gly; replaces cysteine 1818 with glycine.
Molecular consequence: missense variant.
Genome position (GRCh38, 1-based): chr15:48,452,655, A>C on the plus strand (T>G on the coding strand, the complement: FBN1 is on the minus strand). VCF-style: chr15-48452655-A-C. GRCh37 (hg19) VCF-style: chr15-48744852-A-C.
Other names: c.5452T>G, p.Cys1818Gly (NM_001406716.1); short protein forms C1818G.
Identifiers: ClinVar variation 2925546 (VCV002925546.3), dbSNP rs2505470826, ClinGen allele CA392344405.